The following is an entry in ClinVar:

ClinVar aggregate classification (germline): Benign (0 of 4 stars; one submission).

Conditions:
EFCAB5-related disorder. Also called: EFCAB5-related condition.

Allele frequency attached by ClinVar (database versions not stated): ESP Exome Variant Server 0.00025; gnomAD exomes 0.00396; gnomAD 0.00431; TOPMed 0.00533; ExAC 0.00943; 1000 Genomes Project 30x 0.02436; 1000 Genomes Project 0.02476.
gnomAD v4.1: 6,509 of 1,613,720 alleles (0.4%); highest among the groups gnomAD compares: East Asian, 13%; 398 homozygotes.

Submission:

PreventionGenetics, part of Exact Sciences
Classification: Benign for EFCAB5-related condition. Last evaluated: 2019-05-15. Review status: no assertion criteria provided. Collection method: clinical testing. Allele origin: germline.
Comment: This variant is classified as benign based on ACMG/AMP sequence variant interpretation guidelines (Richards et al. 2015 PMID: 25741868, with internal and published modifications).

NM_198529.4(EFCAB5):c.2778C>T (p.His926=)

Gene: EFCAB5 (EF-hand calcium binding domain 5; plus strand). Cytogenetic location: 17q11.2.
Variant type: single nucleotide variant.
Coding change: c.2778C>T on transcript NM_198529.4 (MANE Select); coding-DNA position 2778, C replaced by T.
Protein change: p.His926=; no amino-acid change (histidine 926 retained).
Molecular consequence: synonymous variant.
Genome position (GRCh38, 1-based): chr17:30,078,255, C>T. VCF-style: chr17-30078255-C-T. GRCh37 (hg19) VCF-style: chr17-28405273-C-T.
Identifiers: ClinVar variation 3041705 (VCV003041705.2), dbSNP rs12600352, ClinGen allele CA8479108.